The following is an entry in ClinVar:

ClinVar aggregate classification (germline): Uncertain significance (1 of 4 stars; one submission).

Conditions:
Short-rib thoracic dysplasia 6 with or without polydactyly (SRTD6). Also called: SHORT-RIB THORACIC DYSPLASIA 6 WITH POLYDACTYLY; SHORT-RIB THORACIC DYSPLASIA 6 WITHOUT POLYDACTYLY; POLYDACTYLY WITH NEONATAL CHONDRODYSTROPHY, TYPE II; Majewski Syndrome; SHORT RIB-POLYDACTYLY SYNDROME, TYPE IIA. Identifiers: MedGen C0024507, MONDO:0009894, OMIM 263520.

gnomAD v4.1: 1 of 1,575,600 alleles (0.000063%); highest among the groups gnomAD compares: African/African-American, 0.0013%; no homozygotes.

Submission:

Labcorp Genetics (formerly Invitae), Labcorp
Classification: Uncertain significance for Short-rib thoracic dysplasia 6 with or without polydactyly. Last evaluated: 2025-04-02. Review status: criteria provided, single submitter. Criteria: Invitae Variant Classification Sherloc (09022015). Collection method: clinical testing. Allele origin: germline.
Comment: This sequence change replaces lysine, which is basic and polar, with arginine, which is basic and polar, at codon 1241 of the NEK1 protein (p.Lys1241Arg). This variant is present in population databases (no rsID available, gnomAD 0.01%). This variant has not been reported in the literature in individuals affected with NEK1-related conditions. Invitae Evidence Modeling of protein sequence and biophysical properties (such as structural, functional, and spatial information, amino acid conservation, physicochemical variation, residue mobility, and thermodynamic stability) indicates that this missense variant is not expected to disrupt NEK1 protein function with a negative predictive value of 80%. In summary, the available evidence is currently insufficient to determine the role of this variant in disease. Therefore, it has been classified as a Variant of Uncertain Significance.

NM_001199397.3(NEK1):c.3806A>G (p.Lys1269Arg)

Gene: NEK1 (NIMA related kinase 1; minus strand). Cytogenetic location: 4q33.
Variant type: single nucleotide variant.
Coding change: c.3806A>G on transcript NM_001199397.3 (MANE Select); coding-DNA position 3806, A replaced by G.
Protein change: p.Lys1269Arg; replaces lysine 1269 with arginine.
Molecular consequence: missense variant. On other transcripts: non-coding transcript variant (1).
Genome position (GRCh38, 1-based): chr4:169,400,266, T>C on the plus strand (A>G on the coding strand, the complement: NEK1 is on the minus strand). VCF-style: chr4-169400266-T-C. GRCh37 (hg19) VCF-style: chr4-170321417-T-C.
Other names: c.3674A>G, p.Lys1225Arg (NM_001199398.3); c.3515A>G, p.Lys1172Arg (NM_001199399.3); c.3590A>G, p.Lys1197Arg (NM_001199400.3); c.3806A>G, p.Lys1269Arg (NM_001374418.1); c.3722A>G, p.Lys1241Arg (NM_001374419.1, NM_012224.4); c.3671A>G, p.Lys1224Arg (NM_001374420.1); c.3323A>G, p.Lys1108Arg (NM_001374421.1); c.3629A>G, p.Lys1210Arg (NM_001440620.1); and 5 more; short protein forms K1108R, K1138R, K1172R, K1197R, K1225R, K1241R, K1034R, K1269R.
Identifiers: ClinVar variation 4768939 (VCV004768939.1).